The following is an entry in ClinVar:

NM_003632.3(CNTNAP1):c.2930G>A (p.Arg977His)

Gene: CNTNAP1 (contactin associated protein 1; plus strand). Cytogenetic location: 17q21.2.
Variant type: single nucleotide variant.
Coding change: c.2930G>A on transcript NM_003632.3 (MANE Select); coding-DNA position 2930, G replaced by A.
Protein change: p.Arg977His; replaces arginine 977 with histidine.
Molecular consequence: missense variant.
Genome position (GRCh38, 1-based): chr17:42,693,474, G>A. VCF-style: chr17-42693474-G-A. GRCh37 (hg19) VCF-style: chr17-40845492-G-A.
Other names: short protein forms R977H.
Identifiers: ClinVar variation 1031348 (VCV001031348.2), dbSNP rs758431189, ClinGen allele CA8582193.

ClinVar aggregate classification (germline): Uncertain significance. Review status: criteria provided, multiple submitters, no conflicts (2 of 4 stars). 2 submissions from 2 submitters: Uncertain significance (2). Last evaluated 2025-03-27.

Conditions:
Lethal congenital contracture syndrome 7 (LCCS7). Identifiers: MedGen C4225386, MONDO:0014569, OMIM 616286.

Allele frequency attached by ClinVar (database versions not stated): TOPMed 0.00005; gnomAD exomes 0.00001 and 0.00003; ExAC 0.00002; gnomAD 0.00002.
gnomAD v4.1: 19 of 1,614,086 alleles (0.0012%); highest among the groups gnomAD compares: East Asian, 0.0045%; no homozygotes.

Submissions (2):

GeneDx
Classification: Uncertain significance. Last evaluated: 2025-03-27. Review status: criteria provided, single submitter. Criteria: GeneDx Variant Classification Process June 2021. Collection method: clinical testing. Allele origin: germline. Affected: yes.
Comment: Not observed at significant frequency in large population cohorts (gnomAD); In silico analysis indicates that this missense variant does not alter protein structure/function; Has not been previously published as pathogenic or benign to our knowledge

Baylor Genetics
Classification: Uncertain significance for Lethal congenital contracture syndrome 7. Last evaluated: 2018-07-19. Review status: criteria provided, single submitter. Criteria: ACMG Guidelines, 2015. Collection method: clinical testing. Allele origin: unknown. Affected: yes.
Comment: This variant was determined to be of uncertain significance according to ACMG Guidelines, 2015 [PMID:25741868].